The following is an entry in ClinVar:

NM_000526.5(KRT14):c.1228C>T (p.Gln410Ter)

Gene: KRT14 (keratin 14; minus strand). Cytogenetic location: 17q21.2.
Variant type: single nucleotide variant.
Coding change: c.1228C>T on transcript NM_000526.5 (MANE Select); coding-DNA position 1228, C replaced by T.
Protein change: p.Gln410Ter; replaces glutamine 410 with a stop codon.
Molecular consequence: nonsense.
Genome position (GRCh38, 1-based): chr17:41,583,281, G>A on the plus strand (C>T on the coding strand, the complement: KRT14 is on the minus strand). VCF-style: chr17-41583281-G-A. GRCh37 (hg19) VCF-style: chr17-39739533-G-A.
Other names: short protein forms Q410*.
Identifiers: ClinVar variation 66313 (VCV000066313.2), dbSNP rs267607400, ClinGen allele CA216844.

ClinVar aggregate classification (germline): Pathogenic. Review status: criteria provided, single submitter (1 of 4 stars). 2 submissions from 2 submitters: Pathogenic (1). 1 of the submissions does not count toward it. Last evaluated 2016-09-15.

Submissions (2):

GeneDx
Classification: Pathogenic. Last evaluated: 2016-09-15. Review status: criteria provided, single submitter. Criteria: GeneDx Variant Classification (06012015). Collection method: clinical testing. Allele origin: germline. Affected: yes.
Comment: The Q410X nonsense variant in the KRT14 gene has been reported previously in a family with two affected relatives with epidermolysis bullosa simplex (EBS) of variable severity (Arin et al., 2010). While the child had a generalized form of EBS, the affected mother had a milder presentation with localized, trauma-induced blistering on the feet. The Q410X pathogenic variant is predicted to cause loss of normal protein function either through protein truncation or nonsense-mediated mRNA decay. It occurs close to the highly conserved helix termination (HTP) motif in the central rod domain of keratin 14. Other nonsense variants downstream of Q410X were also observed in patients with mild generalized EBS, such as p.E411X, likely leading to a truncated protein missing the HTP and the keratin 14 tail domain (Stenson et al., 2014). Moreover, Q410X was not observed in approximately 6,500 individuals of European and African American ancestry in the NHLBI Exome Sequencing Project, indicating it is not a common benign variant in these populations. In summary, we consider Q410X to be pathogenic.

Epithelial Biology; Institute of Medical Biology, Singapore
No classification provided. Review status: no classification provided. Collection method: not provided. Allele origin: not provided. Not counted in ClinVar's aggregate classification.